The following is an entry in ClinVar:

ClinVar aggregate classification (germline): Likely pathogenic (0 of 4 stars; one submission).

Conditions:
Cohen syndrome (COH1). Also called: PEPPER SYNDROME; Cutis verticis gyrata, retinitis pigmentosa, and sensorineural deafness. Identifiers: Orphanet 193, MedGen C0265223, MONDO:0008999, OMIM 216550.

Submission:

Juha Muilu Group; Institute for Molecular Medicine Finland (FIMM)
Classification: Likely pathogenic for Cohen syndrome. Review status: no assertion criteria provided. Collection method: not provided. Allele origin: unknown.
Comment: FinDis database variant: This variant was not found or characterized by our laboratory, data were collected from public sources: see reference
ClinVar note: Converted during submission from probable-pathogenic to Likely pathogenic.

NM_152564.5(VPS13B):c.11523del (p.Glu3842fs)

Gene: VPS13B (vacuolar protein sorting 13 homolog B; plus strand). Cytogenetic location: 8q22.2.
Variant type: Deletion.
Coding change: c.11523del on transcript NM_152564.5 (MANE Select); coding-DNA position 11523, one base deleted (A; older notation c.11523delA).
Protein change: p.Glu3842fs; shifts the reading frame from glutamic acid 3842.
Molecular consequence: frameshift variant.
Genome position (GRCh38, 1-based): chr8:99,871,475, A deleted. VCF-style (leftmost placement, unchanged base first): chr8-99871474-CA-C. GRCh37 (hg19) VCF-style: chr8-100883702-CA-C.
Other names: c.11598delA (NM_017890.4); c.11598del, p.Glu3867fs (NM_017890.5); short protein forms E3867fs, E3842fs.
Identifiers: ClinVar variation 56639 (VCV000056639.2), dbSNP rs386834065, ClinGen allele CA264016.
Genomic context (GRCh38, chr8:99,871,474, plus strand): 5'-TGGCCCCTGGCCTCACTTTTCTCCTTTTAAACAGGAAAATGCTTCAGTCTCTGGGCAGAC[CA>C]GAAGTCCACATGGCCCTGGACGTGGTTCTGGTGAGGGGCTCAGGCCAGGAGCATGAAGGG-3'